The following is an entry in ClinVar:

ClinVar aggregate classification (germline): Benign/Likely benign. Review status: criteria provided, multiple submitters, no conflicts (2 of 4 stars). 4 submissions from 4 submitters: Benign (2); Likely benign (2). Last evaluated 2026-01-07.

Conditions:
Familial thoracic aortic aneurysm and aortic dissection (TAAD). Also called: Thoracic aortic aneurysms and dissections. Identifiers: Orphanet 91387, MedGen C4707243, MONDO:0019625.
Adams-Oliver syndrome 5 (AOS5). Identifiers: Orphanet 974, MedGen C4014970, MONDO:0014459, OMIM 616028.

Allele frequency attached by ClinVar (database versions not stated): ExAC 0.00003; gnomAD 0.00003; gnomAD exomes 0.00003 and 0.00004; TOPMed 0.00003.
gnomAD v4.1: 51 of 1,611,712 alleles (0.0032%); highest among the groups gnomAD compares: Middle Eastern, 0.016%; no homozygotes.

Submissions (4):

Labcorp Genetics (formerly Invitae), Labcorp
Classification: Benign for Adams-Oliver syndrome 5. Last evaluated: 2026-01-07. Review status: criteria provided, single submitter. Criteria: Invitae Variant Classification Sherloc (09022015). Collection method: clinical testing. Allele origin: germline.

Women's Health and Genetics/Laboratory Corporation of America, LabCorp
Classification: Benign. Last evaluated: 2024-10-15. Review status: criteria provided, single submitter. Criteria: LabCorp Variant Classification Summary - May 2015. Collection method: clinical testing. Allele origin: germline.

CeGaT Center for Human Genetics Tuebingen
Classification: Likely benign. Last evaluated: 2024-09-01. Review status: criteria provided, single submitter. Criteria: CeGaT Center For Human Genetics Tuebingen Variant Classification Criteria Version 2. Collection method: clinical testing. Allele origin: germline. Affected: yes. Observed: 2 variant alleles.
Comment: NOTCH1: BP4, BP7

Ambry Genetics
Classification: Likely benign for Familial thoracic aortic aneurysm and aortic dissection. Last evaluated: 2022-12-25. Review status: criteria provided, single submitter. Criteria: Ambry Variant Classification Scheme 2023. Collection method: clinical testing. Allele origin: germline.

NM_017617.5(NOTCH1):c.5901G>A (p.Ala1967=)

Gene: NOTCH1 (notch receptor 1; minus strand). Cytogenetic location: 9q34.3.
Variant type: single nucleotide variant.
Coding change: c.5901G>A on transcript NM_017617.5 (MANE Select); coding-DNA position 5901, G replaced by A.
Protein change: p.Ala1967=; no amino-acid change (alanine 1967 retained).
Molecular consequence: synonymous variant.
Genome position (GRCh38, 1-based): chr9:136,500,585, C>T on the plus strand (G>A on the coding strand, the complement: NOTCH1 is on the minus strand). VCF-style: chr9-136500585-C-T. GRCh37 (hg19) VCF-style: chr9-139395037-C-T.
Other names: c.5901G>A, p.Ala1967= (LRG_1122t1).
Identifiers: ClinVar variation 577266 (VCV000577266.37), dbSNP rs762092431, ClinGen allele CA5340108.